The following is an entry in ClinVar:

ClinVar aggregate classification (germline): Uncertain significance (1 of 4 stars; one submission).

Submission:

Ambry Genetics
Classification: Uncertain significance. Last evaluated: 2026-03-26. Review status: criteria provided, single submitter. Criteria: Ambry Variant Classification Scheme 2023. Collection method: clinical testing. Allele origin: germline.
Comment: The p.Q386H variant (also known as c.1158A>C), located in coding exon 11 of the SRP72 gene, results from an A to C substitution at nucleotide position 1158. The glutamine at codon 386 is replaced by histidine, an amino acid with highly similar properties. This amino acid position is conserved. In addition, the in silico prediction for this alteration is inconclusive. Based on the available evidence, the clinical significance of this variant remains unclear.

NM_006947.4(SRP72):c.1158A>C (p.Gln386His)

Gene: SRP72 (signal recognition particle 72; plus strand). Cytogenetic location: 4q12.
Variant type: single nucleotide variant.
Coding change: c.1158A>C on transcript NM_006947.4 (MANE Select); coding-DNA position 1158, A replaced by C.
Protein change: p.Gln386His; replaces glutamine 386 with histidine.
Molecular consequence: missense variant. On other transcripts: non-coding transcript variant (1).
Genome position (GRCh38, 1-based): chr4:56,486,396, A>C. VCF-style: chr4-56486396-A-C. GRCh37 (hg19) VCF-style: chr4-57352562-A-C.
Other names: c.975A>C, p.Gln325His (NM_001267722.2); short protein forms Q325H, Q386H.
Identifiers: ClinVar variation 4865117 (VCV004865117.1).
Genomic context (GRCh38, chr4:56,486,396, plus strand): 5'-TCAGCATCCAGAAAATGCAGCTGAAATTAAGCTGACCATGGCACAGTTGAAAATTTCTCA[A>C]GGTATTATGGTTTTCATCATGATTAAAATATTTTAATGAAAACATGTTTGGAATGATTAA-3'
Protein context (NP_008878.3, residues 376-396): KLTMAQLKIS[Gln386His]GNISKACLIL